The following is an entry in ClinVar:

ClinVar aggregate classification (germline): Uncertain significance. Review status: criteria provided, multiple submitters, no conflicts (2 of 4 stars). 3 submissions from 3 submitters: Uncertain significance (3). Last evaluated 2025-09-26.

Conditions:
Hypotonia with lactic acidemia and hyperammonemia. Identifiers: Orphanet 137908, MedGen C2673642, MONDO:0012718, OMIM 611719.
Inborn genetic diseases. Identifiers: MedGen C0950123, MeSH D030342.

Allele frequency attached by ClinVar (database versions not stated): gnomAD 0.00001; gnomAD exomes 0.00001; TOPMed 0.00001.

Submissions (3):

3billion
Classification: Uncertain significance for Hypotonia with lactic acidemia and hyperammonemia. Last evaluated: 2025-09-26. Review status: criteria provided, single submitter. Criteria: ACMG Guidelines, 2015. Collection method: clinical testing. Allele origin: germline. Affected: yes.
Comment: The variant is observed at an extremely low frequency in the gnomAD v4.1.0 dataset (total allele frequency: <0.001%). Predicted Consequence/Location: Missense variant. The majority of the known disease-causing variants of this gene are variants expected to result in premature termination of the protein. In silico tool predictions suggest damaging effect of the variant on gene or gene product [REVEL: 0.82 (>=0.6, sensitivity 0.68 and specificity 0.92); 3Cnet: 0.93 (> 0.75, sensitivity 0.96 and precision 0.92)]. The variant has been reported as of uncertain significance (ClinVar ID: VCV002274919). Therefore, this variant is classified as VUS according to the recommendation of ACMG/AMP guideline.

Labcorp Genetics (formerly Invitae), Labcorp
Classification: Uncertain significance. Last evaluated: 2025-06-20. Review status: criteria provided, single submitter. Criteria: Invitae Variant Classification Sherloc (09022015). Collection method: clinical testing. Allele origin: germline.
Comment: This sequence change replaces arginine, which is basic and polar, with cysteine, which is neutral and slightly polar, at codon 182 of the MRPS22 protein (p.Arg182Cys). This variant is present in population databases (no rsID available, gnomAD 0.002%). This variant has not been reported in the literature in individuals affected with MRPS22-related conditions. ClinVar contains an entry for this variant (Variation ID: 2274919). Invitae Evidence Modeling of protein sequence and biophysical properties (such as structural, functional, and spatial information, amino acid conservation, physicochemical variation, residue mobility, and thermodynamic stability) indicates that this missense variant is expected to disrupt MRPS22 protein function with a positive predictive value of 80%. In summary, the available evidence is currently insufficient to determine the role of this variant in disease. Therefore, it has been classified as a Variant of Uncertain Significance.

Ambry Genetics
Classification: Uncertain significance for Inborn genetic diseases. Last evaluated: 2022-02-09. Review status: criteria provided, single submitter. Criteria: Ambry Variant Classification Scheme 2023. Collection method: clinical testing. Allele origin: germline.

NM_020191.4(MRPS22):c.544C>T (p.Arg182Cys)

Gene: MRPS22 (mitochondrial ribosomal protein S22; plus strand). Cytogenetic location: 3q23.
Variant type: single nucleotide variant.
Coding change: c.544C>T on transcript NM_020191.4 (MANE Select); coding-DNA position 544, C replaced by T.
Protein change: p.Arg182Cys; replaces arginine 182 with cysteine.
Molecular consequence: missense variant.
Genome position (GRCh38, 1-based): chr3:139,350,218, C>T. VCF-style: chr3-139350218-C-T. GRCh37 (hg19) VCF-style: chr3-139069060-C-T.
Other names: c.421C>T, p.Arg141Cys (NM_001363857.1); c.541C>T, p.Arg181Cys (NM_001363893.1); short protein forms R181C, R141C, R182C.
Identifiers: ClinVar variation 2274919 (VCV002274919.4), dbSNP rs778642922, ClinGen allele CA83994473.